The following is an entry in ClinVar:

NM_000059.4(BRCA2):c.5222G>T (p.Ser1741Ile)

Gene: BRCA2 (BRCA2 DNA repair associated; plus strand). Cytogenetic location: 13q13.1.
Variant type: single nucleotide variant.
Coding change: c.5222G>T on transcript NM_000059.4 (MANE Select); coding-DNA position 5222, G replaced by T.
Protein change: p.Ser1741Ile; replaces serine 1741 with isoleucine.
Molecular consequence: missense variant. On other transcripts: non-coding transcript variant (1), intron variant (2).
Genome position (GRCh38, 1-based): chr13:32,339,577, G>T. VCF-style: chr13-32339577-G-T. GRCh37 (hg19) VCF-style: chr13-32913714-G-T.
Other names: c.5222G>T, p.Ser1741Ile (NM_001406719.1, NM_001406720.1); c.1910-4981G>T (NM_001406721.1); c.425-4981G>T (NM_001406722.1); short protein forms S1741I.
Identifiers: ClinVar variation 2737255 (VCV002737255.3), dbSNP rs1555284119, ClinGen allele CA387784641.

ClinVar aggregate classification (germline): Uncertain significance (1 of 4 stars; one submission).

Conditions:
Hereditary breast ovarian cancer syndrome. Also called: BRCA1- and BRCA2-Associated Hereditary Breast and Ovarian Cancer; Hereditary breast and/or ovarian cancer syndrome; Hereditary breast and ovarian cancer; Hereditary breast and ovarian cancer syndrome (HBOC); Breast and ovarian cancer; Hereditary breast and ovarian cancer syndrome. Identifiers: Orphanet 145, MedGen C0677776, MeSH D061325, MONDO:0003582. Disease mechanism: loss of function.

Submission:

Labcorp Genetics (formerly Invitae), Labcorp
Classification: Uncertain significance for Hereditary breast ovarian cancer syndrome. Last evaluated: 2023-07-07. Review status: criteria provided, single submitter. Criteria: Invitae Variant Classification Sherloc (09022015). Collection method: clinical testing. Allele origin: germline.
Comment: This variant has not been reported in the literature in individuals affected with BRCA2-related conditions. In summary, the available evidence is currently insufficient to determine the role of this variant in disease. Therefore, it has been classified as a Variant of Uncertain Significance. Advanced modeling of protein sequence and biophysical properties (such as structural, functional, and spatial information, amino acid conservation, physicochemical variation, residue mobility, and thermodynamic stability) performed at Invitae indicates that this missense variant is not expected to disrupt BRCA2 protein function. This variant is not present in population databases (gnomAD no frequency). This sequence change replaces serine, which is neutral and polar, with isoleucine, which is neutral and non-polar, at codon 1741 of the BRCA2 protein (p.Ser1741Ile).